The following is an entry in ClinVar:

ClinVar aggregate classification (germline): Likely benign (1 of 4 stars; one submission).

Conditions:
SEMA3B-related disorder. Also called: SEMA3B-related condition.

Submission:

PreventionGenetics, part of Exact Sciences
Classification: Likely benign for SEMA3B-related condition. Last evaluated: 2026-09-21. Review status: criteria provided, single submitter. Criteria: ACMG Guidelines, 2015. Collection method: clinical testing. Allele origin: germline.
Comment: This variant is classified as likely benign based on ACMG/AMP sequence variant interpretation guidelines (Richards et al. 2015 PMID: 25741868, with internal and published modifications).

NM_001290060.2(SEMA3B):c.651C>T (p.Ser217=)

Gene: SEMA3B (semaphorin 3B; plus strand). Cytogenetic location: 3p21.31.
Variant type: single nucleotide variant.
Coding change: c.651C>T on transcript NM_001290060.2 (MANE Select); coding-DNA position 651, C replaced by T.
Protein change: p.Ser217=; no amino-acid change (serine 217 retained).
Molecular consequence: synonymous variant.
Genome position (GRCh38, 1-based): chr3:50,271,467, C>T. VCF-style: chr3-50271467-C-T. GRCh37 (hg19) VCF-style: chr3-50308898-C-T.
Other names: c.651C>T, p.Ser217= (NM_001005914.3, NM_001290061.1, NM_001435956.1 and 3 more transcripts).
Identifiers: ClinVar variation 4991960 (VCV004991960.1).